The following is an entry in ClinVar:

NM_024675.4(PALB2):c.679G>T (p.Ala227Ser)

Gene: PALB2 (partner and localizer of BRCA2; minus strand). Cytogenetic location: 16p12.2.
Variant type: single nucleotide variant.
Coding change: c.679G>T on transcript NM_024675.4 (MANE Select); coding-DNA position 679, G replaced by T.
Protein change: p.Ala227Ser; replaces alanine 227 with serine.
Molecular consequence: missense variant.
Genome position (GRCh38, 1-based): chr16:23,635,867, C>A on the plus strand (G>T on the coding strand, the complement: PALB2 is on the minus strand). VCF-style: chr16-23635867-C-A. GRCh37 (hg19) VCF-style: chr16-23647188-C-A.
Other names: c.619G>T, p.Ala207Ser (NM_001407296.1); c.679G>T, p.Ala227Ser (NM_001407297.1, NM_001407298.1, NM_001407299.1 and 3 more transcripts); c.-207G>T (NM_001407304.1, NM_001407305.1, NM_001407306.1 and 5 more transcripts); short protein forms A207S, A227S.
Identifiers: ClinVar variation 2054360 (VCV002054360.4), dbSNP rs1555461678, ClinGen allele CA395136428.

ClinVar aggregate classification (germline): Uncertain significance (1 of 4 stars; one submission).

Conditions:
Familial cancer of breast. Also called: hereditary breast carcinoma; BREAST CANCER, FAMILIAL; Hereditary breast cancer. Identifiers: Orphanet 227535, MedGen C0346153, MONDO:0016419, OMIM 114480. Disease mechanism: loss of function.

Submission:

Labcorp Genetics (formerly Invitae), Labcorp
Classification: Uncertain significance for Familial cancer of breast. Last evaluated: 2024-07-15. Review status: criteria provided, single submitter. Criteria: Invitae Variant Classification Sherloc (09022015). Collection method: clinical testing. Allele origin: germline.
Comment: This sequence change replaces alanine, which is neutral and non-polar, with serine, which is neutral and polar, at codon 227 of the PALB2 protein (p.Ala227Ser). This variant is not present in population databases (gnomAD no frequency). This variant has not been reported in the literature in individuals affected with PALB2-related conditions. ClinVar contains an entry for this variant (Variation ID: 2054360). An algorithm developed to predict the effect of missense changes on protein structure and function outputs the following: PolyPhen-2: "Benign". The serine amino acid residue is found in multiple mammalian species, which suggests that this missense change does not adversely affect protein function. In summary, the available evidence is currently insufficient to determine the role of this variant in disease. Therefore, it has been classified as a Variant of Uncertain Significance.